The following is an entry in ClinVar:

ClinVar aggregate classification (germline): Benign/Likely benign. Review status: criteria provided, multiple submitters, no conflicts (2 of 4 stars). 4 submissions from 4 submitters: Benign (1); Likely benign (2). 1 of the submissions does not count toward it. Last evaluated 2024-10-29.

Conditions:
DZIP1L-related disorder. Also called: DZIP1L-related condition.
Inborn genetic diseases. Identifiers: MedGen C0950123, MeSH D030342.

Allele frequency attached by ClinVar (database versions not stated): gnomAD exomes 0.00005; gnomAD 0.00013; TOPMed 0.00013; ExAC 0.00020; 1000 Genomes Project 30x 0.00047; 1000 Genomes Project 0.00060.
gnomAD v4.1: 101 of 1,614,038 alleles (0.0063%); highest among the groups gnomAD compares: East Asian, 0.18%; 1 homozygote.

Submissions (4):

Ambry Genetics
Classification: Likely benign for Inborn genetic diseases. Last evaluated: 2024-10-29. Review status: criteria provided, single submitter. Criteria: Ambry Variant Classification Scheme 2023. Collection method: clinical testing. Allele origin: germline.

Blueprint Genetics
Classification: Likely benign. Last evaluated: 2024-09-13. Review status: criteria provided, single submitter. Criteria: ACMG Guidelines, 2015. Collection method: clinical testing. Allele origin: germline.

Labcorp Genetics (formerly Invitae), Labcorp
Classification: Benign. Last evaluated: 2024-01-26. Review status: criteria provided, single submitter. Criteria: Invitae Variant Classification Sherloc (09022015). Collection method: clinical testing. Allele origin: germline.

PreventionGenetics, part of Exact Sciences
Classification: Likely benign for DZIP1L-related condition. Last evaluated: 2022-03-21. Review status: no assertion criteria provided. Collection method: clinical testing. Allele origin: germline. Not counted in ClinVar's aggregate classification.
Comment: This variant is classified as likely benign based on ACMG/AMP sequence variant interpretation guidelines (Richards et al. 2015 PMID: 25741868, with internal and published modifications).

NM_173543.3(DZIP1L):c.2288G>C (p.Arg763Thr)

Gene: DZIP1L (DAZ interacting zinc finger protein 1 like; minus strand). Cytogenetic location: 3q22.3.
Variant type: single nucleotide variant.
Coding change: c.2288G>C on transcript NM_173543.3 (MANE Select); coding-DNA position 2288, G replaced by C.
Protein change: p.Arg763Thr; replaces arginine 763 with threonine.
Molecular consequence: missense variant.
Genome position (GRCh38, 1-based): chr3:138,062,832, C>G on the plus strand (G>C on the coding strand, the complement: DZIP1L is on the minus strand). VCF-style: chr3-138062832-C-G. GRCh37 (hg19) VCF-style: chr3-137781674-C-G.
Other names: c.2288G>C (NM_173543.2); short protein forms R763T.
Identifiers: ClinVar variation 2157128 (VCV002157128.8), dbSNP rs200913886, ClinGen allele CA2634594.
Genomic context (GRCh38, chr3:138,062,832, plus strand): 5'-CCCCAGCCAGGCTAACCCTCTAGCCAGCTAGCTTCTGGGGTGAATCACCAGGCAGGGACC[C>G]TGGGTTGGCCAGAGCTCTGTGGACCAGTGCCAAACTTCTCTGGGAGCTTTGAGCGAGACA-3'
Protein context (NP_775814.2, residues 753-767): GTGPQSSGQP[Arg763Thr]VPAW